The following is an entry in ClinVar:

ClinVar aggregate classification (germline): Benign. Review status: criteria provided, multiple submitters, no conflicts (2 of 4 stars). 3 submissions from 3 submitters: Benign (2). 1 of the submissions does not count toward it. Last evaluated 2026-02-03.

Conditions:
TONSL-related disorder. Also called: TONSL-related condition.

Allele frequency attached by ClinVar (database versions not stated): gnomAD exomes 0.00202; ExAC 0.00434; ESP Exome Variant Server 0.00532; gnomAD 0.00585 and 0.00628; 1000 Genomes Project 0.00639; TOPMed 0.00639; 1000 Genomes Project 30x 0.00671.
gnomAD v4.1: 2,001 of 1,574,828 alleles (0.13%); highest among the groups gnomAD compares: African/African-American, 1.9%; 18 homozygotes.

Submissions (3):

Labcorp Genetics (formerly Invitae), Labcorp
Classification: Benign. Last evaluated: 2026-02-03. Review status: criteria provided, single submitter. Criteria: Invitae Variant Classification Sherloc (09022015). Collection method: clinical testing. Allele origin: germline.

Breakthrough Genomics
Classification: Benign. Review status: criteria provided, single submitter. Criteria: ACMG Guidelines, 2015. Collection method: not provided. Allele origin: germline. Inheritance: Autosomal recessive inheritance. Affected: yes.

PreventionGenetics, part of Exact Sciences
Classification: Benign for TONSL-related condition. Last evaluated: 2020-01-02. Review status: no assertion criteria provided. Collection method: clinical testing. Allele origin: germline. Not counted in ClinVar's aggregate classification.
Comment: This variant is classified as benign based on ACMG/AMP sequence variant interpretation guidelines (Richards et al. 2015 PMID: 25741868, with internal and published modifications).

NM_013432.5(TONSL):c.2269C>G (p.Gln757Glu)

Genes: TONSL (tonsoku like, DNA repair protein; minus strand), TONSL-AS1 (TONSL antisense RNA 1; plus strand). Cytogenetic location: 8q24.3.
Variant type: single nucleotide variant.
Coding change: c.2269C>G on transcript NM_013432.5 (MANE Select); coding-DNA position 2269, C replaced by G.
Protein change: p.Gln757Glu; replaces glutamine 757 with glutamic acid.
Molecular consequence: missense variant.
Genome position (GRCh38, 1-based): chr8:144,436,164, G>C on the plus strand (C>G on the coding strand, the complement: TONSL is on the minus strand). VCF-style: chr8-144436164-G-C. GRCh37 (hg19) VCF-style: chr8-145661547-G-C.
Other names: c.2269C>G (NM_013432.4); short protein forms Q757E.
Identifiers: ClinVar variation 1165843 (VCV001165843.10), dbSNP rs61732278, ClinGen allele CA4942873.
Genomic context (GRCh38, chr8:144,436,164, plus strand): 5'-CGGGGCCAGGCGTCCAGGCTGCCACCCGTTGTGCTGTGGCCGAGCACCGAGGCCTCTTCT[G>C]GGACGGCCGTGCGGGGCCTGCGCTGTCCTCGCCTTCTGAGCTGCTGCTGCTGCTGGCTGG-3'
Protein context (NP_038460.4, residues 747-767): EDSAGPARPS[Gln757Glu]KRPRCSATAQ